The following is an entry in ClinVar:

NM_001384474.1(LOXHD1):c.6092G>A (p.Arg2031Lys)

Gene: LOXHD1 (lipoxygenase homology PLAT domains 1; minus strand). Cytogenetic location: 18q21.1.
Variant type: single nucleotide variant.
Coding change: c.6092G>A on transcript NM_001384474.1 (MANE Select); coding-DNA position 6092, G replaced by A.
Protein change: p.Arg2031Lys; replaces arginine 2031 with lysine.
Molecular consequence: missense variant.
Genome position (GRCh38, 1-based): chr18:46,485,109, C>T on the plus strand (G>A on the coding strand, the complement: LOXHD1 is on the minus strand). VCF-style: chr18-46485109-C-T. GRCh37 (hg19) VCF-style: chr18-44065072-C-T.
Other names: c.2759G>A, p.Arg920Lys (NM_001145472.3); c.809G>A, p.Arg270Lys (NM_001145473.3, NM_001173129.2); c.2471G>A, p.Arg824Lys (NM_001308013.2); c.5906G>A, p.Arg1969Lys (NM_144612.7); short protein forms R920K, R270K, R1969K, R2031K, R824K.
Identifiers: ClinVar variation 2081335 (VCV002081335.5), dbSNP rs557247059, ClinGen allele CA8952086.

ClinVar aggregate classification (germline): Uncertain significance. Review status: criteria provided, multiple submitters, no conflicts (2 of 4 stars). 4 submissions from 4 submitters: Uncertain significance (4). Last evaluated 2026-02-15.

Conditions:
LOXHD1-related disorder. Also called: LOXHD1-related condition.
Inborn genetic diseases. Identifiers: MedGen C0950123, MeSH D030342.

Allele frequency attached by ClinVar (database versions not stated): TOPMed 0.00001; gnomAD exomes 0.00009; ExAC 0.00031; 1000 Genomes Project 30x 0.00094; 1000 Genomes Project 0.00100.
gnomAD v4.1: 136 of 1,550,252 alleles (0.0088%); highest among the groups gnomAD compares: South Asian, 0.15%; no homozygotes.

Submissions (4):

GeneDx
Classification: Uncertain significance. Last evaluated: 2026-02-15. Review status: criteria provided, single submitter. Criteria: GeneDx Variant Classification Process June 2021. Collection method: clinical testing. Allele origin: germline.
Comment: In silico analysis suggests that this missense variant does not alter protein structure/function; Has not been previously published as pathogenic or benign to our knowledge

PreventionGenetics, part of Exact Sciences
Classification: Uncertain significance for LOXHD1-related condition. Last evaluated: 2025-06-18. Review status: criteria provided, single submitter. Criteria: ACMG Guidelines, 2015. Collection method: clinical testing. Allele origin: germline.
Comment: The LOXHD1 c.5906G>A variant is predicted to result in the amino acid substitution p.Arg1969Lys. To our knowledge, this variant has not been reported in the literature. This variant is reported in 0.15% of alleles in individuals of South Asian descent in gnomAD. Although we suspect that this variant may be benign, at this time, the clinical significance of this variant is uncertain due to the absence of conclusive functional and genetic evidence.

Labcorp Genetics (formerly Invitae), Labcorp
Classification: Uncertain significance. Last evaluated: 2024-02-06. Review status: criteria provided, single submitter. Criteria: Invitae Variant Classification Sherloc (09022015). Collection method: clinical testing. Allele origin: germline.
Comment: This sequence change replaces arginine, which is basic and polar, with lysine, which is basic and polar, at codon 1969 of the LOXHD1 protein (p.Arg1969Lys). This variant is present in population databases (rs557247059, gnomAD 0.2%). This variant has not been reported in the literature in individuals affected with LOXHD1-related conditions. ClinVar contains an entry for this variant (Variation ID: 2081335). An algorithm developed to predict the effect of missense changes on protein structure and function (PolyPhen-2) suggests that this variant¬†is likely to be tolerated. In summary, the available evidence is currently insufficient to determine the role of this variant in disease. Therefore, it has been classified as a Variant of Uncertain Significance.

Ambry Genetics
Classification: Uncertain significance for Inborn genetic diseases. Last evaluated: 2021-07-20. Review status: criteria provided, single submitter. Criteria: Ambry Variant Classification Scheme 2023. Collection method: clinical testing. Allele origin: germline.